The following is an entry in ClinVar:

NM_003392.7(WNT5A):c.159C>A (p.Asn53Lys)

Gene: WNT5A (Wnt family member 5A; minus strand). Cytogenetic location: 3p14.3.
Variant type: single nucleotide variant.
Coding change: c.159C>A on transcript NM_003392.7 (MANE Select); coding-DNA position 159, C replaced by A.
Protein change: p.Asn53Lys; replaces asparagine 53 with lysine.
Molecular consequence: missense variant.
Genome position (GRCh38, 1-based): chr3:55,479,546, G>T on the plus strand (C>A on the coding strand, the complement: WNT5A is on the minus strand). VCF-style: chr3-55479546-G-T. GRCh37 (hg19) VCF-style: chr3-55513574-G-T.
Other names: c.114C>A, p.Asn38Lys (NM_001256105.1, NM_001377271.1, NM_001377272.1); short protein forms N38K, N53K.
Identifiers: ClinVar variation 3689669 (VCV003689669.2).
Genomic context (GRCh38, chr3:55,479,546, plus strand): 5'-TGCCAGTTGGCTGCAGAGAGGCTGTGCTCCTATAATATATACTTCTGACATCTGAACAGG[G>T]TTATTCATACCTAGCGACCTGCAAGGGGGGGAGATGTGCATTCAAGATTTACGTGAAATC-3'
Protein context (NP_003383.4, residues 43-63): ANSWWSLGMN[Asn53Lys]PVQMSEVYII

ClinVar aggregate classification (germline): Uncertain significance (1 of 4 stars; one submission).

Submission:

Labcorp Genetics (formerly Invitae), Labcorp
Classification: Uncertain significance. Last evaluated: 2024-06-15. Review status: criteria provided, single submitter. Criteria: Invitae Variant Classification Sherloc (09022015). Collection method: clinical testing. Allele origin: germline.
Comment: This sequence change replaces asparagine, which is neutral and polar, with lysine, which is basic and polar, at codon 53 of the WNT5A protein (p.Asn53Lys). This variant is present in population databases (rs767356554, gnomAD 0.003%). This variant has not been reported in the literature in individuals affected with WNT5A-related conditions. An algorithm developed to predict the effect of missense changes on protein structure and function (PolyPhen-2) suggests that this variant is likely to be tolerated. In summary, the available evidence is currently insufficient to determine the role of this variant in disease. Therefore, it has been classified as a Variant of Uncertain Significance.